The following is an entry in ClinVar:

ClinVar aggregate classification (germline): Likely benign (1 of 4 stars; one submission).

Conditions:
Tourette syndrome (GTS). Also called: GILLES DE LA TOURETTE SYNDROME. Identifiers: MedGen C0040517, MONDO:0007661, OMIM 137580.

Allele frequency attached by ClinVar (database versions not stated): gnomAD 0.00572 and 0.00623; 1000 Genomes Project 0.00579; TOPMed 0.00666; 1000 Genomes Project 30x 0.00687.

Submission:

Illumina Laboratory Services, Illumina
Classification: Likely benign for Tourette syndrome. Last evaluated: 2018-01-13. Review status: criteria provided, single submitter. Criteria: ICSL Variant Classification Criteria 13 December 2019. Collection method: clinical testing. Allele origin: germline.
Comment: This variant was observed in the ICSL laboratory as part of a predisposition screen in an ostensibly healthy population. It had not been previously curated by ICSL or reported in the Human Gene Mutation Database (HGMD: prior to June 1st, 2018), and was therefore a candidate for classification through an automated scoring system. Utilizing variant allele frequency, disease prevalence and penetrance estimates, and inheritance mode, an automated score was calculated to assess if this variant is too frequent to cause the disease. Based on the score and internal cut-off values, a variant classified as likely benign is not then subjected to further curation. The score for this variant resulted in a classification of likely benign for this disease.

NM_001281503.2(SLITRK1):c.*649A>G

Gene: SLITRK1 (SLIT and NTRK like family member 1; minus strand). Cytogenetic location: 13q31.1.
Variant type: single nucleotide variant.
Coding change: c.*649A>G on transcript NM_001281503.2 (MANE Select); 649 bases downstream of the stop codon, A replaced by G.
Molecular consequence: 3 prime UTR variant.
Genome position (GRCh38, 1-based): chr13:83,878,768, T>C on the plus strand (A>G on the coding strand, the complement: SLITRK1 is on the minus strand). VCF-style: chr13-83878768-T-C. GRCh37 (hg19) VCF-style: chr13-84452903-T-C.
Other names: c.*649A>G (NM_052910.2).
Identifiers: ClinVar variation 312490 (VCV000312490.5), dbSNP rs57857456, ClinGen allele CA10639755.